The following is an entry in ClinVar:

NM_145178.4(ATOH7):c.347T>G (p.Phe116Cys)

Gene: ATOH7 (atonal bHLH transcription factor 7; minus strand). Cytogenetic location: 10q21.3.
Variant type: single nucleotide variant.
Coding change: c.347T>G on transcript NM_145178.4 (MANE Select); coding-DNA position 347, T replaced by G.
Protein change: p.Phe116Cys; replaces phenylalanine 116 with cysteine.
Molecular consequence: missense variant.
Genome position (GRCh38, 1-based): chr10:68,231,331, A>C on the plus strand (T>G on the coding strand, the complement: ATOH7 is on the minus strand). VCF-style: chr10-68231331-A-C. GRCh37 (hg19) VCF-style: chr10-69991088-A-C.
Other names: short protein forms F116C.
Identifiers: ClinVar variation 1395815 (VCV001395815.8), dbSNP rs780545737, ClinGen allele CA5523338.

ClinVar aggregate classification (germline): Uncertain significance (1 of 4 stars; one submission).

Allele frequency attached by ClinVar (database versions not stated): gnomAD 0.00001; gnomAD exomes 0.00001 and 0.00003; ExAC 0.00002.

Submission:

Labcorp Genetics (formerly Invitae), Labcorp
Classification: Uncertain significance. Last evaluated: 2025-11-23. Review status: criteria provided, single submitter. Criteria: Invitae Variant Classification Sherloc (09022015). Collection method: clinical testing. Allele origin: germline.
Comment: This sequence change replaces phenylalanine, which is neutral and non-polar, with cysteine, which is neutral and slightly polar, at codon 116 of the ATOH7 protein (p.Phe116Cys). This variant is present in population databases (rs780545737, gnomAD 0.002%). This variant has not been reported in the literature in individuals affected with ATOH7-related conditions. ClinVar contains an entry for this variant (Variation ID: 1395815). An algorithm developed to predict the effect of missense changes on protein structure and function (PolyPhen-2) suggests that this variant is likely to be disruptive. In summary, the available evidence is currently insufficient to determine the role of this variant in disease. Therefore, it has been classified as a Variant of Uncertain Significance.